The following is an entry in ClinVar:

NM_004036.5(ADCY3):c.3253-9C>T

Genes: ADCY3 (adenylate cyclase 3; minus strand), CENPO (centromere protein O; plus strand). Cytogenetic location: 2p23.3.
Variant type: single nucleotide variant.
Coding change: c.3253-9C>T on transcript NM_004036.5 (MANE Select); 9 bases into the intron before coding-DNA position 3253, C replaced by T.
Molecular consequence: intron variant. On other transcripts: 3 prime UTR variant (3), non-coding transcript variant (3).
Genome position (GRCh38, 1-based): chr2:24,820,123, G>A on the plus strand (C>T on the coding strand, the complement: ADCY3 is on the minus strand). VCF-style: chr2-24820123-G-A. GRCh37 (hg19) VCF-style: chr2-25042992-G-A.
Other names: c.*805G>A (NM_001199803.3, NM_001322101.2, NM_024322.4); c.2769-9C>T (NM_001377130.1); c.3115-9C>T (NM_001377129.1); c.3256-9C>T (NM_001320613.2); c.3319-9C>T (NM_001377128.1); c.3253-9C>T (NM_001377132.1); c.2530-9C>T (NM_001377131.1).
Identifiers: ClinVar variation 3054987 (VCV003054987.2), dbSNP rs541665903, ClinGen allele CA1553438.

ClinVar aggregate classification (germline): Likely benign (0 of 4 stars; one submission).

Conditions:
ADCY3-related disorder. Also called: ADCY3-related condition.

Allele frequency attached by ClinVar (database versions not stated): gnomAD exomes below 0.00001; ExAC 0.00002; gnomAD 0.00003; 1000 Genomes Project 30x 0.00031; 1000 Genomes Project 0.00040.
gnomAD v4.1: 11 of 1,534,604 alleles (0.00072%); highest among the groups gnomAD compares: African/African-American, 0.0042%; no homozygotes.

Submission:

PreventionGenetics, part of Exact Sciences
Classification: Likely benign for ADCY3-related condition. Last evaluated: 2021-03-25. Review status: no assertion criteria provided. Collection method: clinical testing. Allele origin: germline.
Comment: This variant is classified as likely benign based on ACMG/AMP sequence variant interpretation guidelines (Richards et al. 2015 PMID: 25741868, with internal and published modifications).